The following is an entry in ClinVar:

NM_032634.4(PIGO):c.2040G>C (p.Leu680=)

Gene: PIGO (phosphatidylinositol glycan anchor biosynthesis class O; minus strand). Cytogenetic location: 9p13.3.
Variant type: single nucleotide variant.
Coding change: c.2040G>C on transcript NM_032634.4 (MANE Select); coding-DNA position 2040, G replaced by C.
Protein change: p.Leu680=; no amino-acid change (leucine 680 retained).
Molecular consequence: synonymous variant. On other transcripts: intron variant (2).
Genome position (GRCh38, 1-based): chr9:35,091,847, C>G on the plus strand (G>C on the coding strand, the complement: PIGO is on the minus strand). VCF-style: chr9-35091847-C-G. GRCh37 (hg19) VCF-style: chr9-35091844-C-G.
Other names: c.1345-556G>C (NM_152850.4, NM_001201484.2).
Identifiers: ClinVar variation 262096 (VCV000262096.54), dbSNP rs41274877, ClinGen allele CA5040517.

ClinVar aggregate classification (germline): Benign/Likely benign. Review status: criteria provided, multiple submitters, no conflicts (2 of 4 stars). 8 submissions from 8 submitters: Benign (4); Likely benign (3). 1 of the submissions does not count toward it. Last evaluated 2026-09-01.

Conditions:
PIGO-related disorder. Also called: PIGO-related condition.
Hyperphosphatasia with impaired intellectual development syndrome 2. Also called: Hyperphosphatasia with intellectual disability syndrome 2; GLYCOSYLPHOSPHATIDYLINOSITOL BIOSYNTHESIS DEFECT 6. Identifiers: Orphanet 247262, MedGen C3553637, MONDO:0013882, OMIM 614749.

Allele frequency attached by ClinVar (database versions not stated): 1000 Genomes Project 0.00200; 1000 Genomes Project 30x 0.00203; ExAC 0.00464; gnomAD 0.00508 and 0.00511; gnomAD exomes 0.00541 and 0.00691; TOPMed 0.00619; ESP Exome Variant Server 0.00646.
gnomAD v4.1: 10,954 of 1,614,096 alleles (0.68%); highest among the groups gnomAD compares: Non-Finnish European, 0.76%; 45 homozygotes.

Submissions (8):

CeGaT Center for Human Genetics Tuebingen
Classification: Likely benign. Last evaluated: 2026-09-01. Review status: criteria provided, single submitter. Criteria: CeGaT Center For Human Genetics Tuebingen Variant Classification Criteria Version 2. Collection method: clinical testing. Allele origin: germline. Affected: yes. Observed: 15 variant alleles.
Comment: PIGO: BP4, BP7, BS2

Labcorp Genetics (formerly Invitae), Labcorp
Classification: Benign for Hyperphosphatasia with impaired intellectual development syndrome 2. Last evaluated: 2026-02-03. Review status: criteria provided, single submitter. Criteria: Invitae Variant Classification Sherloc (09022015). Collection method: clinical testing. Allele origin: germline.

Athena Diagnostics
Classification: Benign. Last evaluated: 2024-05-03. Review status: criteria provided, single submitter. Criteria: Athena Diagnostics Criteria. Collection method: clinical testing. Allele origin: unknown.

GeneDx
Classification: Benign. Last evaluated: 2019-03-28. Review status: criteria provided, single submitter. Criteria: GeneDx Variant Classification Process June 2021. Collection method: clinical testing. Allele origin: germline. Affected: yes.

Illumina Laboratory Services, Illumina
Classification: Likely benign for Hyperphosphatasia with impaired intellectual development syndrome 2. Last evaluated: 2018-01-13. Review status: criteria provided, single submitter. Criteria: ICSL Variant Classification Criteria 13 December 2019. Collection method: clinical testing. Allele origin: germline.
Comment: This variant was observed in the ICSL laboratory as part of a predisposition screen in an ostensibly healthy population. It had not been previously curated by ICSL or reported in the Human Gene Mutation Database (HGMD: prior to June 1st, 2018), and was therefore a candidate for classification through an automated scoring system. Utilizing variant allele frequency, disease prevalence and penetrance estimates, and inheritance mode, an automated score was calculated to assess if this variant is too frequent to cause the disease. Based on the score and internal cut-off values, a variant classified as likely benign is not then subjected to further curation. The score for this variant resulted in a classification of likely benign for this disease.

Eurofins Ntd Llc (ga)
Classification: Benign. Last evaluated: 2017-03-27. Review status: criteria provided, single submitter. Criteria: EGL Classification Definitions 2015. Collection method: clinical testing. Allele origin: germline. Observed: 1 variant allele, 1 heterozygote.

Breakthrough Genomics
Classification: Likely benign. Review status: criteria provided, single submitter. Criteria: ACMG Guidelines, 2015. Collection method: not provided. Allele origin: germline. Inheritance: Autosomal recessive inheritance. Affected: yes.

PreventionGenetics, part of Exact Sciences
Classification: Benign for PIGO-related condition. Last evaluated: 2024-05-06. Review status: no assertion criteria provided. Collection method: clinical testing. Allele origin: germline. Not counted in ClinVar's aggregate classification.
Comment: This variant is classified as benign based on ACMG/AMP sequence variant interpretation guidelines (Richards et al. 2015 PMID: 25741868, with internal and published modifications).